The following is an entry in ClinVar:

ClinVar aggregate classification (germline): Benign/Likely benign. Review status: criteria provided, multiple submitters, no conflicts (2 of 4 stars). 26 submissions from 26 submitters: Benign (18); Likely benign (3). 5 of the submissions do not count toward it. Last evaluated 2026-09-01.

Conditions:
Hereditary cancer-predisposing syndrome. Also called: Neoplastic Syndromes, Hereditary; Tumor predisposition; Hereditary Cancer Syndrome; Hereditary neoplastic syndrome. Identifiers: Orphanet 140162, MedGen C0027672, MeSH D009386, MONDO:0015356.
Tuberous sclerosis syndrome (TSC). Also called: Tuberous Sclerosis Complex; Tuberous sclerosis. Identifiers: Orphanet 805, MedGen C0041341, MONDO:0001734.
Tuberous sclerosis 2 (TSC2). Identifiers: Orphanet 805, MedGen C1860707, MONDO:0013199, OMIM 613254.

Allele frequency attached by ClinVar (database versions not stated): gnomAD exomes 0.00054 and 0.00145; ExAC 0.00183; gnomAD 0.00558 and 0.00587; TOPMed 0.00631; ESP Exome Variant Server 0.00639; 1000 Genomes Project 0.00699; 1000 Genomes Project 30x 0.00781.
gnomAD v4.1: 1,660 of 1,612,968 alleles (0.1%); highest among the groups gnomAD compares: African/African-American, 2%; 21 homozygotes.

Submissions (26):

CeGaT Center for Human Genetics Tuebingen
Classification: Benign. Last evaluated: 2026-09-01. Review status: criteria provided, single submitter. Criteria: CeGaT Center For Human Genetics Tuebingen Variant Classification Criteria Version 2. Collection method: clinical testing. Allele origin: germline. Affected: yes. Observed: 5 variant alleles.
Comment: TSC2: PM5, BP4, BS1, BS2

Labcorp Genetics (formerly Invitae), Labcorp
Classification: Benign for Tuberous sclerosis 2. Last evaluated: 2026-02-03. Review status: criteria provided, single submitter. Criteria: Invitae Variant Classification Sherloc (09022015). Collection method: clinical testing. Allele origin: germline.

Dasa
Classification: Benign for Tuberous sclerosis 2. Last evaluated: 2025-12-23. Review status: criteria provided, single submitter. Criteria: DASA Assertion Criteria. Collection method: clinical testing. Allele origin: germline.
Comment: NM_000548.5(TSC2):c.3422C>T (p.Ala1141Val) is interpreted as benign based on a combination of available evidence, including population frequency, and observations in unaffected individuals. Based on the available data, this variant is classified as benign.

Mayo Clinic Laboratories, Mayo Clinic
Classification: Likely benign. Last evaluated: 2025-10-12. Review status: criteria provided, single submitter. Criteria: ACMG Guidelines, 2015. Collection method: clinical testing. Allele origin: germline. Observed: 3 variant alleles.
Comment: BS1

Quest Diagnostics Nichols Institute San Juan Capistrano
Classification: Benign. Last evaluated: 2025-07-12. Review status: criteria provided, single submitter. Criteria: Quest Diagnostics criteria. Collection method: clinical testing. Allele origin: unknown.

Myriad Genetics, Inc.
Classification: Benign for Tuberous sclerosis 2. Last evaluated: 2025-05-29. Review status: criteria provided, single submitter. Criteria: Myriad Autosomal Dominant, Autosomal Recessive and X-Linked Classification Criteria (2023). Collection method: clinical testing. Allele origin: unknown.
Comment: This variant is considered benign. This variant has been observed at a population frequency that is significantly greater than expected given the associated disease prevalence and penetrance.

ARUP Laboratories, Molecular Genetics and Genomics, ARUP Laboratories
Classification: Benign. Last evaluated: 2025-03-26. Review status: criteria provided, single submitter. Criteria: ARUP Molecular Germline Variant Investigation Process 2024. Collection method: clinical testing. Allele origin: germline.

Blueprint Genetics
Classification: Likely benign. Last evaluated: 2024-10-11. Review status: criteria provided, single submitter. Criteria: ACMG Guidelines, 2015. Collection method: clinical testing. Allele origin: germline.

All of Us Research Program, National Institutes of Health
Classification: Benign for Tuberous sclerosis syndrome. Last evaluated: 2024-09-24. Review status: criteria provided, single submitter. Criteria: ACMG Guidelines, 2015. Collection method: clinical testing. Allele origin: germline. Inheritance: Autosomal dominant inheritance. Observed: 547 variant alleles, 542 heterozygotes, 5 homozygotes.
Comment: This study involves interpretation of variants in research participants for the purpose of population health screening. Participant phenotype was not available at the time of variant classification. Additional details can be found in publication PMID: 35346344, PMCID: PMC8962531

Women's Health and Genetics/Laboratory Corporation of America, LabCorp
Classification: Likely benign. Last evaluated: 2024-01-20. Review status: criteria provided, single submitter. Criteria: LabCorp Variant Classification Summary - May 2015. Collection method: clinical testing. Allele origin: germline.

KCCC/NGS Laboratory, Kuwait Cancer Control Center
Classification: Benign for Tuberous sclerosis 2. Last evaluated: 2023-07-07. Review status: criteria provided, single submitter. Criteria: ACMG Guidelines, 2015. Collection method: clinical testing. Allele origin: germline. Affected: yes.

Genome-Nilou Lab
Classification: Benign for Tuberous sclerosis 2. Last evaluated: 2021-11-07. Review status: criteria provided, single submitter. Criteria: ACMG Guidelines, 2015. Collection method: clinical testing. Allele origin: germline. Affected: no.

Sema4
Classification: Benign for Hereditary cancer-predisposing syndrome. Last evaluated: 2020-02-06. Review status: criteria provided, single submitter. Criteria: Sema4 Curation Guidelines. Collection method: curation. Allele origin: germline.

Illumina Laboratory Services, Illumina
Classification: Benign for Tuberous sclerosis syndrome. Last evaluated: 2018-05-11. Review status: criteria provided, single submitter. Criteria: ICSL Variant Classification Criteria 13 December 2019. Collection method: clinical testing. Allele origin: germline.
Comment: This variant was observed as part of a predisposition screen in an ostensibly healthy population. A literature search was performed for the gene, cDNA change, and amino acid change (where applicable). Publications were found based on this search. The evidence from the literature, in combination with allele frequency data from public databases where available, was sufficient to rule this variant out of causing disease. Therefore, this variant is classified as benign.

Color Diagnostics, LLC DBA Color Health
Classification: Benign for Tuberous sclerosis syndrome. Last evaluated: 2018-03-06. Review status: criteria provided, single submitter. Criteria: ACMG Guidelines, 2015. Collection method: clinical testing. Allele origin: germline.

Athena Diagnostics
Classification: Benign. Last evaluated: 2017-11-16. Review status: criteria provided, single submitter. Criteria: Athena Diagnostics Criteria. Collection method: clinical testing. Allele origin: germline.

Center for Pediatric Genomic Medicine, Children's Mercy Hospital and Clinics
Classification: Benign. Last evaluated: 2016-04-25. Review status: criteria provided, single submitter. Criteria: ACMG Guidelines, 2015. Collection method: clinical testing. Allele origin: germline.

Eurofins Ntd Llc (ga)
Classification: Benign. Last evaluated: 2016-01-28. Review status: criteria provided, single submitter. Criteria: EGL Classification Definitions 2015. Collection method: clinical testing. Allele origin: germline. Observed: 1 variant allele, 1 heterozygote.

Ambry Genetics
Classification: Benign for Hereditary cancer-predisposing syndrome. Last evaluated: 2015-01-19. Review status: criteria provided, single submitter. Criteria: Ambry Variant Classification Scheme 2023. Collection method: clinical testing. Allele origin: germline.

GeneDx
Classification: Benign. Last evaluated: 2013-02-28. Review status: criteria provided, single submitter. Criteria: GeneDx Variant Classification (06012015). Collection method: clinical testing. Allele origin: germline. Affected: yes.
Comment: This variant is considered likely benign or benign based on one or more of the following criteria: it is a conservative change, it occurs at a poorly conserved position in the protein, it is predicted to be benign by multiple in silico algorithms, and/or has population frequency not consistent with disease.

PreventionGenetics, part of Exact Sciences
Classification: Benign. Review status: criteria provided, single submitter. Criteria: ACMG Guidelines, 2015. Collection method: clinical testing. Allele origin: germline.

ITMI
No classification provided. Condition: AllHighlyPenetrant. Last evaluated: 2013-09-19. Review status: no classification provided. Collection method: reference population. Allele origin: germline. Not counted in ClinVar's aggregate classification.
Comment: Please see associated publication for description of ethnicities

Clinical Genetics DNA and cytogenetics Diagnostics Lab, Erasmus MC, Erasmus Medical Center
Classification: Benign. Review status: no assertion criteria provided. Collection method: clinical testing. Allele origin: germline. Affected: yes. Study: VKGL Data-share Consensus. Not counted in ClinVar's aggregate classification.

Clinical Genetics, Academic Medical Center
Classification: Benign. Review status: no assertion criteria provided. Collection method: clinical testing. Allele origin: germline. Affected: yes. Study: VKGL Data-share Consensus. Not counted in ClinVar's aggregate classification.

Genome Diagnostics Laboratory, Amsterdam University Medical Center
Classification: Benign. Review status: no assertion criteria provided. Collection method: clinical testing. Allele origin: germline. Affected: yes. Study: VKGL Data-share Consensus. Not counted in ClinVar's aggregate classification.

Tuberous sclerosis database (TSC2)
No classification provided. Condition: TSC. Review status: no classification provided. Criteria: Tuberous Sclerosis Database Assertion Criteria 2015. Collection method: curation. Allele origin: germline. Affected: yes. Not counted in ClinVar's aggregate classification.

Literature cited by the submitters: PubMed 22995991 (cited by 3 submitters); PubMed 24728327 (cited by 3 submitters); PubMed 27153395 (cited by 3 submitters); PubMed 23514105 (cited by Athena Diagnostics).

NM_000548.5(TSC2):c.3422C>T (p.Ala1141Val)

Gene: TSC2 (TSC complex subunit 2; plus strand). Cytogenetic location: 16p13.3.
Variant type: single nucleotide variant.
Coding change: c.3422C>T on transcript NM_000548.5 (MANE Select); coding-DNA position 3422, C replaced by T.
Protein change: p.Ala1141Val; replaces alanine 1141 with valine.
Molecular consequence: missense variant.
Genome position (GRCh38, 1-based): chr16:2,080,189, C>T. VCF-style: chr16-2080189-C-T. GRCh37 (hg19) VCF-style: chr16-2130190-C-T.
Other names: p.A1141V:GCC>GTC; c.3422C>T (NM_000548.4); c.3290C>T, p.Ala1097Val (NM_001077183.3, NM_001370404.1); c.3422C>T, p.Ala1141Val (NM_001114382.3); c.3182C>T, p.Ala1061Val (NM_001318827.2); c.3146C>T, p.Ala1049Val (NM_001318829.2); c.2690C>T, p.Ala897Val (NM_001318831.2); c.3323C>T, p.Ala1108Val (NM_001318832.2); and 1 more; short protein forms A1141V, A1049V, A1061V, A1108V, A1097V, A1098V, A897V.
Identifiers: ClinVar variation 49551 (VCV000049551.65), dbSNP rs34870424, ClinGen allele CA019139.
Genomic context (GRCh38, chr16:2,080,189, plus strand): 5'-AAGTGGTGGTCACCAGTCCTCTGCCCTCTTCTTCAGGGGGCCATGGTCTTCGAGTTGGCG[C>T]CCTGGACGTGCCGGCCTCCCAGTTCCTGGGCAGTGCCACTTCTCCAGGACCACGGACTGC-3'
Protein context (NP_000539.2, residues 1131-1151): MSGGHGLRVG[Ala1141Val]LDVPASQFLG